The following is an entry in ClinVar:

NM_017612.5(ZCCHC8):c.1381A>G (p.Ser461Gly)

Gene: ZCCHC8 (zinc finger CCHC-type containing 8; minus strand). Cytogenetic location: 12q24.31.
Variant type: single nucleotide variant.
Coding change: c.1381A>G on transcript NM_017612.5 (MANE Select); coding-DNA position 1381, A replaced by G.
Protein change: p.Ser461Gly; replaces serine 461 with glycine.
Molecular consequence: missense variant.
Genome position (GRCh38, 1-based): chr12:122,474,240, T>C on the plus strand (A>G on the coding strand, the complement: ZCCHC8 is on the minus strand). VCF-style: chr12-122474240-T-C. GRCh37 (hg19) VCF-style: chr12-122958787-T-C.
Other names: c.1150A>G, p.Ser384Gly (NM_001350935.2); c.1084A>G, p.Ser362Gly (NM_001350936.2); c.667A>G, p.Ser223Gly (NM_001350937.2, NM_001350938.2); short protein forms S384G, S362G, S223G, S461G.
Identifiers: ClinVar variation 2842729 (VCV002842729.3), dbSNP rs1957373151, ClinGen allele CA387049399.

ClinVar aggregate classification (germline): Uncertain significance (1 of 4 stars; one submission).

Allele frequency attached by ClinVar (database versions not stated): TOPMed below 0.00001.

Submission:

Labcorp Genetics (formerly Invitae), Labcorp
Classification: Uncertain significance. Last evaluated: 2023-10-13. Review status: criteria provided, single submitter. Criteria: Invitae Variant Classification Sherloc (09022015). Collection method: clinical testing. Allele origin: germline.
Comment: This sequence change replaces serine, which is neutral and polar, with glycine, which is neutral and non-polar, at codon 461 of the ZCCHC8 protein (p.Ser461Gly). This variant is not present in population databases (gnomAD no frequency). This variant has not been reported in the literature in individuals affected with ZCCHC8-related conditions. Advanced modeling of protein sequence and biophysical properties (such as structural, functional, and spatial information, amino acid conservation, physicochemical variation, residue mobility, and thermodynamic stability) performed at Invitae indicates that this missense variant is not expected to disrupt ZCCHC8 protein function. In summary, the available evidence is currently insufficient to determine the role of this variant in disease. Therefore, it has been classified as a Variant of Uncertain Significance.